The following is an entry in ClinVar:

NM_001378778.1(MPDZ):c.5677G>A (p.Ala1893Thr)

Gene: MPDZ (multiple PDZ domain crumbs cell polarity complex component; minus strand). Cytogenetic location: 9p23.
Variant type: single nucleotide variant.
Coding change: c.5677G>A on transcript NM_001378778.1 (MANE Select); coding-DNA position 5677, G replaced by A.
Protein change: p.Ala1893Thr; replaces alanine 1893 with threonine.
Molecular consequence: missense variant.
Genome position (GRCh38, 1-based): chr9:13,112,071, C>T on the plus strand (G>A on the coding strand, the complement: MPDZ is on the minus strand). VCF-style: chr9-13112071-C-T. GRCh37 (hg19) VCF-style: chr9-13112070-C-T.
Other names: c.5578G>A, p.Ala1860Thr (NM_001261406.2, NM_001375416.1, NM_001375417.1 and 1 more transcripts); c.5491G>A, p.Ala1831Thr (NM_001261407.2, NM_001375419.1); c.5677G>A, p.Ala1893Thr (NM_001330637.2); c.5776G>A, p.Ala1926Thr (NM_001375413.1); c.5467G>A, p.Ala1823Thr (NM_001375420.1, NM_001375421.1, NM_001375422.1 and 2 more transcripts); c.5380G>A, p.Ala1794Thr (NM_001375425.1, NM_001375426.1); c.5269G>A, p.Ala1757Thr (NM_001375427.1); c.5590G>A, p.Ala1864Thr (NM_003829.5); and 1 more; short protein forms A1757T, A1860T, A1926T, A1794T, A1831T, A1864T, A1893T, A1823T.
Identifiers: ClinVar variation 1471770 (VCV001471770.7), dbSNP rs973965367, ClinGen allele CA372941362.

ClinVar aggregate classification (germline): Uncertain significance. Review status: criteria provided, multiple submitters, no conflicts (2 of 4 stars). 2 submissions from 2 submitters: Uncertain significance (2). Last evaluated 2023-05-08.

Conditions:
Inborn genetic diseases. Identifiers: MedGen C0950123, MeSH D030342.

Allele frequency attached by ClinVar (database versions not stated): gnomAD exomes below 0.00001.
gnomAD v4.1: 8 of 1,613,636 alleles (0.0005%); highest among the groups gnomAD compares: Middle Eastern, 0.016%; no homozygotes.

Submissions (2):

Ambry Genetics
Classification: Uncertain significance for Inborn genetic diseases. Last evaluated: 2023-05-08. Review status: criteria provided, single submitter. Criteria: Ambry Variant Classification Scheme 2023. Collection method: clinical testing. Allele origin: germline.

Labcorp Genetics (formerly Invitae), Labcorp
Classification: Uncertain significance. Last evaluated: 2021-09-19. Review status: criteria provided, single submitter. Criteria: Invitae Variant Classification Sherloc (09022015). Collection method: clinical testing. Allele origin: germline.
Comment: This sequence change replaces alanine with threonine at codon 1864 of the MPDZ protein (p.Ala1864Thr). The alanine residue is highly conserved and there is a small physicochemical difference between alanine and threonine. This variant is not present in population databases (ExAC no frequency). This variant has not been reported in the literature in individuals affected with MPDZ-related conditions. Algorithms developed to predict the effect of missense changes on protein structure and function are either unavailable or do not agree on the potential impact of this missense change (SIFT: "Deleterious"; PolyPhen-2: "Probably Damaging"; Align-GVGD: "Class C0"). In summary, the available evidence is currently insufficient to determine the role of this variant in disease. Therefore, it has been classified as a Variant of Uncertain Significance.